The following is an entry in ClinVar:

ClinVar aggregate classification (germline): Likely benign. Review status: criteria provided, multiple submitters, no conflicts (2 of 4 stars). 2 submissions from 2 submitters: Likely benign (2). Last evaluated 2025-01-12.

Conditions:
Dilated cardiomyopathy 1O (CMD1O). Also called: CARDIOMYOPATHY, DILATED, WITH VENTRICULAR TACHYCARDIA. Identifiers: Orphanet 154, MedGen C1837839, MONDO:0012062, OMIM 608569.

Allele frequency attached by ClinVar (database versions not stated): gnomAD 0.00003; gnomAD exomes below 0.00001; ExAC 0.00001.
gnomAD v4.1: 9 of 1,610,670 alleles (0.00056%); highest among the groups gnomAD compares: African/African-American, 0.012%; no homozygotes.

Submissions (2):

Labcorp Genetics (formerly Invitae), Labcorp
Classification: Likely benign for Dilated cardiomyopathy 1O. Last evaluated: 2025-01-12. Review status: criteria provided, single submitter. Criteria: Invitae Variant Classification Sherloc (09022015). Collection method: clinical testing. Allele origin: germline.

GeneDx
Classification: Likely benign. Last evaluated: 2017-04-26. Review status: criteria provided, single submitter. Criteria: GeneDx Variant Classification (06012015). Collection method: clinical testing. Allele origin: germline. Affected: yes.
Comment: This variant is considered likely benign or benign based on one or more of the following criteria: it is a conservative change, it occurs at a poorly conserved position in the protein, it is predicted to be benign by multiple in silico algorithms, and/or has population frequency not consistent with disease.

NM_020297.4(ABCC9):c.3096+9G>T

Gene: ABCC9 (ATP binding cassette subfamily C member 9; minus strand). Cytogenetic location: 12p12.1.
Variant type: single nucleotide variant.
Coding change: c.3096+9G>T on transcript NM_020297.4 (MANE Select); 9 bases into the intron after coding-DNA position 3096, G replaced by T.
Molecular consequence: intron variant.
Genome position (GRCh38, 1-based): chr12:21,845,594, C>A on the plus strand (G>T on the coding strand, the complement: ABCC9 is on the minus strand). VCF-style: chr12-21845594-C-A. GRCh37 (hg19) VCF-style: chr12-21998528-C-A.
Other names: c.2229+9G>T (NM_001377274.1); c.3096+9G>T (NM_005691.4, NM_001377273.1).
Identifiers: ClinVar variation 509151 (VCV000509151.8), dbSNP rs765048337, ClinGen allele CA6481214.
Genomic context (GRCh38, chr12:21,845,594, plus strand): 5'-ATAAGAAGGTATCACTGTTAATCTCAATATTTCCTTGATGATTTAAAAACAAAACCGAAC[C>A]AATTGTACCTGATCAGCTTTTCCAGTATTGTTTATACTGTACTCCGATGTCCATGTGGCC-3'